The following is an entry in ClinVar:

ClinVar aggregate classification (germline): Likely pathogenic (1 of 4 stars; one submission).

Conditions:
Lysosomal acid lipase deficiency. Also called: Acid cholesteryl ester hydrolase deficiency, type 2. Identifiers: Orphanet 275761, MedGen C5574740, MONDO:0800449, MONDO:0010204.

Submission:

Myriad Genetics, Inc.
Classification: Likely pathogenic for Cholesteryl ester storage disease. Last evaluated: 2019-09-29. Review status: criteria provided, single submitter. Criteria: Myriad Women's Health Autosomal Recessive and X-Linked Classification Criteria (2019). Collection method: clinical testing. Allele origin: unknown.
Comment: NM_000235.2(LIPA):c.826A>T(R276*) is expected to be pathogenic in the context of lysosomal acid lipase deficiency. This variant is predicted to lead to an abnormal or absent protein product due to the creation of a premature termination codon in LIPA, a gene where loss-of-function variants are known to be pathogenic. Please note: this variant was assessed in the context of healthy population screening.

NM_000235.4(LIPA):c.826A>T (p.Arg276Ter)

Gene: LIPA (lipase A, lysosomal acid type; minus strand). Cytogenetic location: 10q23.31.
Variant type: single nucleotide variant.
Coding change: c.826A>T on transcript NM_000235.4 (MANE Select); coding-DNA position 826, A replaced by T.
Protein change: p.Arg276Ter; replaces arginine 276 with a stop codon.
Molecular consequence: nonsense.
Genome position (GRCh38, 1-based): chr10:89,222,579, T>A on the plus strand (A>T on the coding strand, the complement: LIPA is on the minus strand). VCF-style: chr10-89222579-T-A. GRCh37 (hg19) VCF-style: chr10-90982336-T-A.
Other names: c.826A>T, p.Arg276Ter (NM_001127605.3); c.478A>T, p.Arg160Ter (NM_001288979.2); short protein forms R160*, R276*.
Identifiers: ClinVar variation 983949 (VCV000983949.4), dbSNP rs1842714308, ClinGen allele CA377516788.